The following is an entry in ClinVar:

ClinVar aggregate classification (germline): Uncertain significance. Review status: criteria provided, multiple submitters, no conflicts (2 of 4 stars). 2 submissions from 2 submitters: Uncertain significance (2). Last evaluated 2026-05-14.

Conditions:
Inborn genetic diseases. Identifiers: MedGen C0950123, MeSH D030342.
AFF4-related disorder. Also called: AFF4-related condition.

Allele frequency attached by ClinVar (database versions not stated): gnomAD exomes below 0.00001; TOPMed below 0.00001.
gnomAD v4.1: 2 of 1,614,002 alleles (0.00012%); highest among the groups gnomAD compares: Admixed American, 0.0033%; no homozygotes.

Submissions (2):

PreventionGenetics, part of Exact Sciences
Classification: Uncertain significance for AFF4-related condition. Last evaluated: 2026-05-14. Review status: criteria provided, single submitter. Criteria: ACMG Guidelines, 2015. Collection method: clinical testing. Allele origin: germline.
Comment: The AFF4 c.1788G>A variant is predicted to result in the amino acid substitution p.Met596Ile. To our knowledge, this variant has not been reported in the literature. This variant is reported in 0.0029% of alleles in individuals of Latino descent in gnomAD. At this time, the clinical significance of this variant is uncertain due to the absence of conclusive functional and genetic evidence.

Ambry Genetics
Classification: Uncertain significance for Inborn genetic diseases. Last evaluated: 2022-12-21. Review status: criteria provided, single submitter. Criteria: Ambry Variant Classification Scheme 2023. Collection method: clinical testing. Allele origin: germline.

NM_014423.4(AFF4):c.1788G>A (p.Met596Ile)

Gene: AFF4 (ALF transcription elongation factor 4; minus strand). Cytogenetic location: 5q31.1.
Variant type: single nucleotide variant.
Coding change: c.1788G>A on transcript NM_014423.4 (MANE Select); coding-DNA position 1788, G replaced by A.
Protein change: p.Met596Ile; replaces methionine 596 with isoleucine.
Molecular consequence: missense variant.
Genome position (GRCh38, 1-based): chr5:132,896,842, C>T on the plus strand (G>A on the coding strand, the complement: AFF4 is on the minus strand). VCF-style: chr5-132896842-C-T. GRCh37 (hg19) VCF-style: chr5-132232534-C-T.
Other names: short protein forms M596I.
Identifiers: ClinVar variation 2339081 (VCV002339081.3), dbSNP rs1441597235, ClinGen allele CA360937484.
Genomic context (GRCh38, chr5:132,896,842, plus strand): 5'-CTCCTTCTTTATATTGGGTTTCCTTGAGCCTTTGGTGGCTGCTTTGTGTCTGCTGGAGGG[C>T]ATGCTGCTAGCCAAGTCTACAGGGGTTTCACTTTCTATCTTCAGGCCTCCACGAGGCTCT-3'
Protein context (NP_055238.1, residues 586-606): SETPVDLASS[Met596Ile]PSSRHKAATK